The following is an entry in ClinVar:

NM_004991.4(MECOM):c.1993A>G (p.Ile665Val)

Gene: MECOM (MDS1 and EVI1 complex locus; minus strand). Cytogenetic location: 3q26.2.
Variant type: single nucleotide variant.
Coding change: c.1993A>G on transcript NM_004991.4 (MANE Select); coding-DNA position 1993, A replaced by G.
Protein change: p.Ile665Val; replaces isoleucine 665 with valine.
Molecular consequence: missense variant. On other transcripts: intron variant (2).
Genome position (GRCh38, 1-based): chr3:169,115,879, T>C on the plus strand (A>G on the coding strand, the complement: MECOM is on the minus strand). VCF-style: chr3-169115879-T-C. GRCh37 (hg19) VCF-style: chr3-168833667-T-C.
Other names: c.1624A>G, p.Ile542Val (NM_001105077.4); c.1429A>G, p.Ile477Val (NM_001105078.4, NM_001164000.2, NM_001205194.2 and 4 more transcripts); c.1432A>G, p.Ile478Val (NM_001163999.2, NM_001366467.2, NM_001366468.2 and 1 more transcripts); c.1993A>G, p.Ile665Val (NM_001366466.2); c.1133-112A>G (NM_001366473.2); c.569-112A>G (NM_001366474.2); short protein forms I477V, I478V, I542V, I665V.
Identifiers: ClinVar variation 3871912 (VCV003871912.2).

ClinVar aggregate classification (germline): Uncertain significance (1 of 4 stars; one submission).

Conditions:
Inborn genetic diseases. Identifiers: MedGen C0950123, MeSH D030342.

gnomAD v4.1: 1 of 1,614,048 alleles (0.000062%); highest among the groups gnomAD compares: Non-Finnish European, 0.000085%; no homozygotes.

Submission:

Ambry Genetics
Classification: Uncertain significance for Inborn genetic diseases. Last evaluated: 2025-12-27. Review status: criteria provided, single submitter. Criteria: Ambry Variant Classification Scheme 2023. Collection method: clinical testing. Allele origin: germline.
Comment: The p.I665V variant (also known as c.1993A>G), located in coding exon 8 of the MECOM gene, results from an A to G substitution at nucleotide position 1993. The isoleucine at codon 665 is replaced by valine, an amino acid with highly similar properties. This amino acid position is conserved. In addition, this alteration is predicted to be tolerated by in silico analysis. Based on the available evidence, the clinical significance of this variant remains unclear.